The following is an entry in ClinVar:

ClinVar aggregate classification (germline): Uncertain significance. Review status: criteria provided, multiple submitters, no conflicts (2 of 4 stars). 2 submissions from 2 submitters: Uncertain significance (2). Last evaluated 2024-06-26.

Conditions:
Inborn genetic diseases. Identifiers: MedGen C0950123, MeSH D030342.
Compton-North congenital myopathy (CMYO12). Identifiers: Orphanet 210163, MedGen C2675527, MONDO:0012929, OMIM 612540.

Allele frequency attached by ClinVar (database versions not stated): ExAC 0.00002; gnomAD exomes 0.00004; ESP Exome Variant Server 0.00008.
gnomAD v4.1: 85 of 1,612,582 alleles (0.0053%); highest among the groups gnomAD compares: Non-Finnish European, 0.0065%; no homozygotes.

Submissions (2):

Ambry Genetics
Classification: Uncertain significance for Inborn genetic diseases. Last evaluated: 2024-06-26. Review status: criteria provided, single submitter. Criteria: Ambry Variant Classification Scheme 2023. Collection method: clinical testing. Allele origin: germline.

Labcorp Genetics (formerly Invitae), Labcorp
Classification: Uncertain significance for Compton-North congenital myopathy. Last evaluated: 2022-02-24. Review status: criteria provided, single submitter. Criteria: Invitae Variant Classification Sherloc (09022015). Collection method: clinical testing. Allele origin: germline.
Comment: This sequence change replaces arginine, which is basic and polar, with tryptophan, which is neutral and slightly polar, at codon 276 of the CNTN1 protein (p.Arg276Trp). This variant is present in population databases (rs144047921, gnomAD 0.006%). This variant has not been reported in the literature in individuals affected with CNTN1-related conditions. Advanced modeling of protein sequence and biophysical properties (such as structural, functional, and spatial information, amino acid conservation, physicochemical variation, residue mobility, and thermodynamic stability) performed at Invitae indicates that this missense variant is not expected to disrupt CNTN1 protein function. In summary, the available evidence is currently insufficient to determine the role of this variant in disease. Therefore, it has been classified as a Variant of Uncertain Significance.

NM_001843.4(CNTN1):c.826C>T (p.Arg276Trp)

Gene: CNTN1 (contactin 1; plus strand). Cytogenetic location: 12q12.
Variant type: single nucleotide variant.
Coding change: c.826C>T on transcript NM_001843.4 (MANE Select); coding-DNA position 826, C replaced by T.
Protein change: p.Arg276Trp; replaces arginine 276 with tryptophan.
Molecular consequence: missense variant.
Genome position (GRCh38, 1-based): chr12:40,933,719, C>T. VCF-style: chr12-40933719-C-T. GRCh37 (hg19) VCF-style: chr12-41327521-C-T.
Other names: c.826C>T, p.Arg276Trp (NM_001256063.2, NM_001256064.2); c.793C>T, p.Arg265Trp (NM_175038.2); c.826C>T (NM_001843.2); short protein forms R276W, R265W.
Identifiers: ClinVar variation 1520969 (VCV001520969.7), dbSNP rs144047921, ClinGen allele CA6516724.
Genomic context (GRCh38, chr12:40,933,719, plus strand): 5'-GTGTGTGAAACTTTAACCCTTGTATCTTCTATTTAAAGTCCTGTTCCGGATATCCGATGG[C>T]GGAAGGTTCTAGAACCAATGCCAAGCACTGCTGAGATTAGCACCTCTGGGGCTGTTCTTA-3'
Protein context (NP_001834.2, residues 266-286): LGNPVPDIRW[Arg276Trp]KVLEPMPSTA